The following is an entry in ClinVar:

NM_006514.4(SCN10A):c.1735C>T (p.Pro579Ser)

Gene: SCN10A (sodium voltage-gated channel alpha subunit 10; minus strand). Cytogenetic location: 3p22.2.
Variant type: single nucleotide variant.
Coding change: c.1735C>T on transcript NM_006514.4 (MANE Select); coding-DNA position 1735, C replaced by T.
Protein change: p.Pro579Ser; replaces proline 579 with serine.
Molecular consequence: missense variant. On other transcripts: intron variant (1).
Genome position (GRCh38, 1-based): chr3:38,752,239, G>A on the plus strand (C>T on the coding strand, the complement: SCN10A is on the minus strand). VCF-style: chr3-38752239-G-A. GRCh37 (hg19) VCF-style: chr3-38793730-G-A.
Other names: c.1735C>T, p.Pro579Ser (NM_001293306.2); c.1462-2055C>T (NM_001293307.2); short protein forms P579S.
Identifiers: ClinVar variation 4781957 (VCV004781957.1).

ClinVar aggregate classification (germline): Uncertain significance (1 of 4 stars; one submission).

Conditions:
Brugada syndrome. Also called: Sudden unexpected nocturnal death syndrome; Sudden Unexplained Death Syndrome; Sudden Unexplained Nocturnal Death Syndrome (SUNDS); Sudden unexplained nocturnal death syndrome. Identifiers: Orphanet 130, MedGen C1142166, MONDO:0015263.

gnomAD v4.1: 4 of 1,541,256 alleles (0.00026%); highest among the groups gnomAD compares: South Asian, 0.0013%; no homozygotes.

Submission:

Labcorp Genetics (formerly Invitae), Labcorp
Classification: Uncertain significance for Brugada syndrome. Last evaluated: 2025-06-08. Review status: criteria provided, single submitter. Criteria: Invitae Variant Classification Sherloc (09022015). Collection method: clinical testing. Allele origin: germline.
Comment: This sequence change replaces proline, which is neutral and non-polar, with serine, which is neutral and polar, at codon 579 of the SCN10A protein (p.Pro579Ser). This variant is present in population databases (no rsID available, gnomAD 0.005%). This variant has not been reported in the literature in individuals affected with SCN10A-related conditions. Invitae Evidence Modeling of protein sequence and biophysical properties (such as structural, functional, and spatial information, amino acid conservation, physicochemical variation, residue mobility, and thermodynamic stability) indicates that this missense variant is not expected to disrupt SCN10A protein function with a negative predictive value of 95%. In summary, the available evidence is currently insufficient to determine the role of this variant in disease. Therefore, it has been classified as a Variant of Uncertain Significance.